The following is an entry in ClinVar:

ClinVar aggregate classification (germline): Likely pathogenic (1 of 4 stars; one submission).

Conditions:
Neuronal ceroid lipofuscinosis 1 (CLN1). Also called: CEROID LIPOFUSCINOSIS, NEURONAL, 1, VARIABLE AGE AT ONSET; PPT1-Related Neuronal Ceroid-Lipofuscinosis. Identifiers: Orphanet 228329, MedGen C1850451, MONDO:0009744, OMIM 256730.

Submission:

Myriad Genetics, Inc.
Classification: Likely pathogenic for Neuronal ceroid lipofuscinosis 1. Last evaluated: 2026-02-20. Review status: criteria provided, single submitter. Criteria: Myriad Autosomal Dominant, Autosomal Recessive and X-Linked Classification Criteria (2023). Collection method: clinical testing. Allele origin: unknown.
Comment: NM_000310.3(PPT1):c.362+2T>C is a variant in a canonical splice site classified as likely pathogenic in the context of neuronal ceroid lipofuscinosis, PPT1-related. c.362+2T>C has not been observed in cases with relevant disease. Relevant functional assessments of this variant are not available in the literature. c.362+2T>C has not been observed in referenced population frequency databases. In summary, NM_000310.3(PPT1):c.362+2T>C is a variant in a canonical splice site in a gene where loss of function is a known mechanism of disease and is predicted to disrupt protein function. Please note: this variant was assessed in the context of healthy population screening.

NM_000310.4(PPT1):c.362+2T>C

Gene: PPT1 (palmitoyl-protein thioesterase 1; minus strand). Cytogenetic location: 1p34.2.
Variant type: single nucleotide variant.
Coding change: c.362+2T>C on transcript NM_000310.4 (MANE Select); the canonical splice donor site of the intron after coding-DNA position 362, T replaced by C.
Molecular consequence: splice donor variant. On other transcripts: intron variant (1).
Genome position (GRCh38, 1-based): chr1:40,092,043, A>G on the plus strand (T>C on the coding strand, the complement: PPT1 is on the minus strand). VCF-style: chr1-40092043-A-G. GRCh37 (hg19) VCF-style: chr1-40557715-A-G.
Other names: c.125-2531T>C (NM_001142604.2); c.362+2T>C (NM_001363695.2).
Identifiers: ClinVar variation 5003744 (VCV005003744.1).
Genomic context (GRCh38, chr1:40,092,043, plus strand): 5'-TGAATAAAAGAAACAAAAATCAATTCCATATAAGTGGTACAATATAACAAAAAGGAACGT[A>G]CAGAAATTGGCCTCCCTGGGAGAATCCCATAGCATTGTAGCCTTGCTGCAATTTAGGATC-3'